The following is an entry in ClinVar:

ClinVar aggregate classification (germline): Uncertain significance. Review status: criteria provided, multiple submitters, no conflicts (2 of 4 stars). 3 submissions from 3 submitters: Uncertain significance (3). Last evaluated 2025-11-03.

Conditions:
Inborn genetic diseases. Identifiers: MedGen C0950123, MeSH D030342.

Allele frequency attached by ClinVar (database versions not stated): TOPMed 0.00002; ExAC 0.00005; gnomAD exomes 0.00004.
gnomAD v4.1: 64 of 1,613,656 alleles (0.004%); highest among the groups gnomAD compares: Non-Finnish European, 0.0053%; no homozygotes.

Submissions (3):

Labcorp Genetics (formerly Invitae), Labcorp
Classification: Uncertain significance. Last evaluated: 2025-11-03. Review status: criteria provided, single submitter. Criteria: Invitae Variant Classification Sherloc (09022015). Collection method: clinical testing. Allele origin: germline.
Comment: This sequence change replaces valine, which is neutral and non-polar, with methionine, which is neutral and non-polar, at codon 1296 of the SAMD9 protein (p.Val1296Met). This variant is present in population databases (rs768318837, gnomAD 0.005%). This variant has not been reported in the literature in individuals affected with SAMD9-related conditions. ClinVar contains an entry for this variant (Variation ID: 1723601). Invitae Evidence Modeling of protein sequence and biophysical properties (such as structural, functional, and spatial information, amino acid conservation, physicochemical variation, residue mobility, and thermodynamic stability) indicates that this missense variant is not expected to disrupt SAMD9 protein function with a negative predictive value of 95%. In summary, the available evidence is currently insufficient to determine the role of this variant in disease. Therefore, it has been classified as a Variant of Uncertain Significance.

Ambry Genetics
Classification: Uncertain significance for Inborn genetic diseases. Last evaluated: 2025-01-09. Review status: criteria provided, single submitter. Criteria: Ambry Variant Classification Scheme 2023. Collection method: clinical testing. Allele origin: germline.
Comment: The p.V1296M variant (also known as c.3886G>A), located in coding exon 1 of the SAMD9 gene, results from a G to A substitution at nucleotide position 3886. The valine at codon 1296 is replaced by methionine, an amino acid with highly similar properties. This amino acid position is conserved. In addition, this alteration is predicted to be tolerated by in silico analysis. Based on the available evidence, the clinical significance of this variant remains unclear.

GeneDx
Classification: Uncertain significance. Last evaluated: 2024-02-25. Review status: criteria provided, single submitter. Criteria: GeneDx Variant Classification Process June 2021. Collection method: clinical testing. Allele origin: germline. Affected: yes.
Comment: In silico analysis supports that this missense variant does not alter protein structure/function; Has not been previously published as pathogenic or benign to our knowledge

NM_017654.4(SAMD9):c.3886G>A (p.Val1296Met)

Gene: SAMD9 (sterile alpha motif domain containing 9; minus strand). Cytogenetic location: 7q21.2.
Variant type: single nucleotide variant.
Coding change: c.3886G>A on transcript NM_017654.4 (MANE Select); coding-DNA position 3886, G replaced by A.
Protein change: p.Val1296Met; replaces valine 1296 with methionine.
Molecular consequence: missense variant.
Genome position (GRCh38, 1-based): chr7:93,102,212, C>T on the plus strand (G>A on the coding strand, the complement: SAMD9 is on the minus strand). VCF-style: chr7-93102212-C-T. GRCh37 (hg19) VCF-style: chr7-92731525-C-T.
Other names: c.3886G>A, p.Val1296Met (NM_001193307.2); short protein forms V1296M.
Identifiers: ClinVar variation 1723601 (VCV001723601.7), dbSNP rs768318837, ClinGen allele CA4342621.